The following is an entry in ClinVar:

NM_017934.7(PHIP):c.1362C>T (p.Tyr454=)

Gene: PHIP (PHIP subunit of CUL4-Ring ligase complex; minus strand). Cytogenetic location: 6q14.1.
Variant type: single nucleotide variant.
Coding change: c.1362C>T on transcript NM_017934.7 (MANE Select); coding-DNA position 1362, C replaced by T.
Protein change: p.Tyr454=; no amino-acid change (tyrosine 454 retained).
Molecular consequence: synonymous variant.
Genome position (GRCh38, 1-based): chr6:79,015,657, G>A on the plus strand (C>T on the coding strand, the complement: PHIP is on the minus strand). VCF-style: chr6-79015657-G-A. GRCh37 (hg19) VCF-style: chr6-79725374-G-A.
Identifiers: ClinVar variation 3353277 (VCV003353277.3).

ClinVar aggregate classification (germline): Likely benign. Review status: criteria provided, single submitter (1 of 4 stars). 2 submissions from 2 submitters: Likely benign (1). 1 of the submissions does not count toward it. Last evaluated 2024-06-26.

Conditions:
PHIP-related disorder. Also called: PHIP-related condition; PHIP-related disorders.

gnomAD v4.1: 1 of 1,607,380 alleles (0.000062%); highest among the groups gnomAD compares: African/African-American, 0.0013%; no homozygotes.

Submissions (2):

Labcorp Genetics (formerly Invitae), Labcorp
Classification: Likely benign. Last evaluated: 2024-06-26. Review status: criteria provided, single submitter. Criteria: Invitae Variant Classification Sherloc (09022015). Collection method: clinical testing. Allele origin: germline.

PreventionGenetics, part of Exact Sciences
Classification: Likely benign for PHIP-related condition. Last evaluated: 2022-08-23. Review status: no assertion criteria provided. Collection method: clinical testing. Allele origin: germline. Not counted in ClinVar's aggregate classification.
Comment: This variant is classified as likely benign based on ACMG/AMP sequence variant interpretation guidelines (Richards et al. 2015 PMID: 25741868, with internal and published modifications).